The following is an entry in ClinVar:

ClinVar aggregate classification (germline): Uncertain significance. Review status: criteria provided, multiple submitters, no conflicts (2 of 4 stars). 3 submissions from 3 submitters: Uncertain significance (2). 1 of the submissions does not count toward it. Last evaluated 2023-12-08.

Conditions:
Hereditary cancer-predisposing syndrome. Also called: Neoplastic Syndromes, Hereditary; Hereditary Cancer Syndrome; Hereditary neoplastic syndrome; Tumor predisposition. Identifiers: Orphanet 140162, MedGen C0027672, MeSH D009386, MONDO:0015356.
Bloom syndrome (BLM). Also called: Bloom-Torre-Machacek syndrome. Identifiers: Orphanet 125, MedGen C0005859, MONDO:0008876, OMIM 210900.

Submissions (3):

Ambry Genetics
Classification: Uncertain significance for Hereditary cancer-predisposing syndrome. Last evaluated: 2023-12-08. Review status: criteria provided, single submitter. Criteria: Ambry Variant Classification Scheme 2023. Collection method: clinical testing. Allele origin: germline.
Comment: The p.K870Q variant (also known as c.2608A>C), located in coding exon 12 of the BLM gene, results from an A to C substitution at nucleotide position 2608. The lysine at codon 870 is replaced by glutamine, an amino acid with similar properties. This amino acid position is conserved. In addition, this alteration is predicted to be tolerated by in silico analysis. Since supporting evidence is limited at this time, the clinical significance of this alteration remains unclear.

Labcorp Genetics (formerly Invitae), Labcorp
Classification: Uncertain significance for Bloom syndrome. Last evaluated: 2022-01-27. Review status: criteria provided, single submitter. Criteria: Invitae Variant Classification Sherloc (09022015). Collection method: clinical testing. Allele origin: germline.
Comment: This sequence change replaces lysine, which is basic and polar, with glutamine, which is neutral and polar, at codon 870 of the BLM protein (p.Lys870Gln). This variant is not present in population databases (gnomAD no frequency). This variant has not been reported in the literature in individuals affected with BLM-related conditions. ClinVar contains an entry for this variant (Variation ID: 1060824). Algorithms developed to predict the effect of missense changes on protein structure and function are either unavailable or do not agree on the potential impact of this missense change (SIFT: "Deleterious"; PolyPhen-2: "Possibly Damaging"; Align-GVGD: "Class C0"). In summary, the available evidence is currently insufficient to determine the role of this variant in disease. Therefore, it has been classified as a Variant of Uncertain Significance.

Natera, Inc.
Classification: Uncertain significance for Bloom syndrome. Last evaluated: 2021-06-23. Review status: no assertion criteria provided. Collection method: clinical testing. Allele origin: germline. Not counted in ClinVar's aggregate classification.

NM_000057.4(BLM):c.2608A>C (p.Lys870Gln)

Gene: BLM (BLM RecQ like helicase; plus strand). Cytogenetic location: 15q26.1.
Variant type: single nucleotide variant.
Coding change: c.2608A>C on transcript NM_000057.4 (MANE Select); coding-DNA position 2608, A replaced by C.
Protein change: p.Lys870Gln; replaces lysine 870 with glutamine.
Molecular consequence: missense variant.
Genome position (GRCh38, 1-based): chr15:90,782,874, A>C. VCF-style: chr15-90782874-A-C. GRCh37 (hg19) VCF-style: chr15-91326104-A-C.
Other names: c.2608A>C, p.Lys870Gln (NM_001287246.2, NM_001287247.2); c.1483A>C, p.Lys495Gln (NM_001287248.2); c.2608A>C (NM_000057.2); short protein forms K495Q, K870Q.
Identifiers: ClinVar variation 1060824 (VCV001060824.10), dbSNP rs2151178094, ClinGen allele CA393845702.